The following is an entry in ClinVar:

ClinVar aggregate classification (germline): Uncertain significance. Review status: criteria provided, multiple submitters, no conflicts (2 of 4 stars). 2 submissions from 2 submitters: Uncertain significance (2). Last evaluated 2024-01-09.

Conditions:
Hereditary nonpolyposis colorectal neoplasms. Identifiers: MedGen C0009405, MeSH D003123.
Hereditary cancer-predisposing syndrome. Also called: Hereditary neoplastic syndrome; Tumor predisposition; Neoplastic Syndromes, Hereditary; Hereditary Cancer Syndrome. Identifiers: Orphanet 140162, MedGen C0027672, MeSH D009386, MONDO:0015356.

gnomAD v4.1: 1 of 1,614,190 alleles (0.000062%); highest among the groups gnomAD compares: Middle Eastern, 0.016%; no homozygotes.

Submissions (2):

Ambry Genetics
Classification: Uncertain significance for Hereditary cancer-predisposing syndrome. Last evaluated: 2024-01-09. Review status: criteria provided, single submitter. Criteria: Ambry Variant Classification Scheme 2023. Collection method: clinical testing. Allele origin: germline.
Comment: The p.I517V variant (also known as c.1549A>G), located in coding exon 4 of the MSH6 gene, results from an A to G substitution at nucleotide position 1549. The isoleucine at codon 517 is replaced by valine, an amino acid with highly similar properties. This amino acid position is highly conserved in available vertebrate species. In addition, this alteration is predicted to be tolerated by in silico analysis. Since supporting evidence is limited at this time, the clinical significance of this alteration remains unclear.

Labcorp Genetics (formerly Invitae), Labcorp
Classification: Uncertain significance for Hereditary nonpolyposis colorectal neoplasms. Last evaluated: 2022-09-24. Review status: criteria provided, single submitter. Criteria: Invitae Variant Classification Sherloc (09022015). Collection method: clinical testing. Allele origin: germline.
Comment: This sequence change replaces isoleucine, which is neutral and non-polar, with valine, which is neutral and non-polar, at codon 517 of the MSH6 protein (p.Ile517Val). This variant is not present in population databases (gnomAD no frequency). This variant has not been reported in the literature in individuals affected with MSH6-related conditions. ClinVar contains an entry for this variant (Variation ID: 1501150). Advanced modeling of protein sequence and biophysical properties (such as structural, functional, and spatial information, amino acid conservation, physicochemical variation, residue mobility, and thermodynamic stability) performed at Invitae indicates that this missense variant is not expected to disrupt MSH6 protein function. In summary, the available evidence is currently insufficient to determine the role of this variant in disease. Therefore, it has been classified as a Variant of Uncertain Significance.

NM_000179.3(MSH6):c.1549A>G (p.Ile517Val)

Gene: MSH6 (mutS homolog 6; plus strand). Cytogenetic location: 2p16.3.
Variant type: single nucleotide variant.
Coding change: c.1549A>G on transcript NM_000179.3 (MANE Select); coding-DNA position 1549, A replaced by G.
Protein change: p.Ile517Val; replaces isoleucine 517 with valine.
Molecular consequence: missense variant.
Genome position (GRCh38, 1-based): chr2:47,799,532, A>G. VCF-style: chr2-47799532-A-G. GRCh37 (hg19) VCF-style: chr2-48026671-A-G.
Other names: c.1549A>G (NM_000179.2); c.1159A>G, p.Ile387Val (NM_001281492.2); c.643A>G, p.Ile215Val (NM_001281493.2, NM_001281494.2); short protein forms I387V, I517V, I215V.
Identifiers: ClinVar variation 1501150 (VCV001501150.9), dbSNP rs2104350987, ClinGen allele CA346746643.